The following is an entry in ClinVar:

NM_000127.3(EXT1):c.1670_1687del (p.Ile557_Leu562del)

Gene: EXT1 (exostosin glycosyltransferase 1; minus strand). Cytogenetic location: 8q24.11.
Variant type: Deletion.
Coding change: c.1670_1687del on transcript NM_000127.3 (MANE Select); coding-DNA positions 1670 to 1687, 18 bases deleted (TCACAGACGCCGTGCTCA).
Protein change: p.Ile557_Leu562del.
Molecular consequence: inframe deletion.
Genome position (GRCh38, 1-based): chr8:117,812,907-117,812,924, TGAGCACGGCGTCTGTGA deleted on the plus strand (TCACAGACGCCGTGCTCA on the coding strand, the reverse complement: EXT1 is on the minus strand); deleting any 18 consecutive bases within chr8:117,812,907-117,812,927 gives the same sequence; the c. name uses the placement nearest the transcript's 3' end. VCF-style (leftmost placement, unchanged base first): chr8-117812906-CTGAGCACGGCGTCTGTGA-C. GRCh37 (hg19) VCF-style: chr8-118825145-CTGAGCACGGCGTCTGTGA-C.
Identifiers: ClinVar variation 2133790 (VCV002133790.4), dbSNP rs2488096579, ClinGen allele CA2580078537.
Genomic context (GRCh38, chr8:117,812,906, plus strand): 5'-GCTGCTCCTCAGGCATGGGTTCTTACCTCTGTTGTTGAAAGCACCGTGTCCTCGTCAAGG[CTGAGCACGGCGTCTGTGA>C]TGATGTTGTCGTAGGGCAGAAAACGGCTGCTCATAACCTGGGAGGAAGTAGAAGTAGGCA-3'

ClinVar aggregate classification (germline): Pathogenic (1 of 4 stars; one submission).

Conditions:
Multiple congenital exostosis (EXT). Also called: Multiple exostoses; Hereditary multiple osteochondromas; Hereditary multiple exostoses; Hereditary multiple exostosis; Multiple osteochondromas; MULTIPLE CARTILAGINOUS EXOSTOSES. Identifiers: Orphanet 321, MedGen C0015306, MONDO:0005508, HP:0002762.

Submission:

Labcorp Genetics (formerly Invitae), Labcorp
Classification: Pathogenic for Multiple congenital exostosis. Last evaluated: 2022-05-04. Review status: criteria provided, single submitter. Criteria: Invitae Variant Classification Sherloc (09022015). Collection method: clinical testing. Allele origin: germline.
Comment: This variant has not been reported in the literature in individuals affected with EXT1-related conditions. This variant is not present in population databases (gnomAD no frequency). This variant, c.1670_1687del, results in the deletion of 6 amino acid(s) of the EXT1 protein (p.Ile557_Leu562del), but otherwise preserves the integrity of the reading frame. This variant disrupts a region of the EXT1 protein in which other variant(s) (p.Leu562Pro) have been determined to be pathogenic (PMID: 18165274, 21499719, 23262345). This suggests that this is a clinically significant region of the protein, and that variants that disrupt it are likely to be disease-causing. For these reasons, this variant has been classified as Pathogenic.

Literature cited by the submitters: PubMed 18165274; PubMed 21499719; PubMed 23262345.